The following is an entry in ClinVar:

NM_001017979.3(RAB28):c.131C>G (p.Thr44Ser)

Gene: RAB28 (RAB28, member RAS oncogene family; minus strand). Cytogenetic location: 4p15.33.
Variant type: single nucleotide variant.
Coding change: c.131C>G on transcript NM_001017979.3 (MANE Select); coding-DNA position 131, C replaced by G.
Protein change: p.Thr44Ser; replaces threonine 44 with serine.
Molecular consequence: missense variant.
Genome position (GRCh38, 1-based): chr4:13,479,471, G>C on the plus strand (C>G on the coding strand, the complement: RAB28 is on the minus strand). VCF-style: chr4-13479471-G-C. GRCh37 (hg19) VCF-style: chr4-13481095-G-C.
Other names: c.131C>G, p.Thr44Ser (NM_001159601.2, NM_004249.4); short protein forms T44S.
Identifiers: ClinVar variation 1508383 (VCV001508383.7), dbSNP rs1425170596, ClinGen allele CA356374885.

ClinVar aggregate classification (germline): Uncertain significance (1 of 4 stars; one submission).

Submission:

Labcorp Genetics (formerly Invitae), Labcorp
Classification: Uncertain significance. Last evaluated: 2022-07-26. Review status: criteria provided, single submitter. Criteria: Invitae Variant Classification Sherloc (09022015). Collection method: clinical testing. Allele origin: germline.
Comment: In summary, the available evidence is currently insufficient to determine the role of this variant in disease. Therefore, it has been classified as a Variant of Uncertain Significance. Algorithms developed to predict the effect of missense changes on protein structure and function (SIFT, PolyPhen-2, Align-GVGD) all suggest that this variant is likely to be disruptive. ClinVar contains an entry for this variant (Variation ID: 1508383). This variant has not been reported in the literature in individuals affected with RAB28-related conditions. This variant is not present in population databases (gnomAD no frequency). This sequence change replaces threonine, which is neutral and polar, with serine, which is neutral and polar, at codon 44 of the RAB28 protein (p.Thr44Ser).